The following is an entry in ClinVar:

ClinVar aggregate classification (germline): Pathogenic/Likely pathogenic. Review status: criteria provided, multiple submitters, no conflicts (2 of 4 stars). 4 submissions from 4 submitters: Pathogenic (3); Likely pathogenic (1). Last evaluated 2026-08-06.

Conditions:
Autosomal recessive limb-girdle muscular dystrophy type 2B (LGMDR2). Also called: MUSCULAR DYSTROPHY, LIMB-GIRDLE, TYPE 3; Limb-girdle muscular dystrophy, type 2B; MUSCULAR DYSTROPHY, LIMB-GIRDLE, AUTOSOMAL RECESSIVE 2; Limb-Girdle Muscular Dystrophy Type 2B (LGMD2B). Identifiers: Orphanet 268, MedGen C1850889, MONDO:0009676, OMIM 253601.
Distal myopathy with anterior tibial onset. Identifiers: Orphanet 178400, MedGen C1847532, MONDO:0011721, OMIM 606768.
Miyoshi muscular dystrophy 1 (MMD1). Identifiers: Orphanet 45448, MedGen C4551973, MONDO:0024545, OMIM 254130.
Neuromuscular disease caused by qualitative or quantitative defects of dysferlin. Also called: Dysferlinopathy; Qualitative or quantitative defects of dysferlin. Identifiers: Orphanet 207073, MedGen C2931687, MONDO:0016145.

Submissions (4):

OLLIN Analises Genomicas, OLLIN
Classification: Likely pathogenic for Miyoshi muscular dystrophy 1. Last evaluated: 2026-08-06. Review status: criteria provided, single submitter. Criteria: ACMG Guidelines 2015 PMID 25741868. Collection method: clinical testing. Allele origin: germline. Inheritance: Autosomal recessive inheritance.
Comment: This frameshift variant, located in exon 27 (of 56), is absent from gnomAD and has not been identified in the literature. However, it has been reported in ClinVar (accession VCV001448346.9). This variant causes a frameshift and introduces a premature stop codon, which is predicted to result in either a truncated protein or degradation of the mRNA via nonsense-mediated decay (NMD). According to the currently available evidence, this variant has been classified as likely pathogenic (PVS1, PM2_P).

Dasa
Classification: Pathogenic. Last evaluated: 2026-02-19. Review status: criteria provided, single submitter. Criteria: DASA Assertion Criteria. Collection method: clinical testing. Allele origin: germline.
Comment: NM_001130987.2(DYSF):c.2955dup (p.Met986Hisfs*3) introduces a premature termination codon predicted to result in loss of normal protein function. Loss-of-function is an established mechanism of disease for this gene. This variant has been reported in an affected individual with related phenotype in a genotype context consistent with recessive disease (PMID: 31268554). The variant is present at low frequency in population datasets. Based on the available data, this variant is classified as pathogenic.

Labcorp Genetics (formerly Invitae), Labcorp
Classification: Pathogenic for Neuromuscular disease caused by qualitative or quantitative defects of dysferlin. Last evaluated: 2025-12-23. Review status: criteria provided, single submitter. Criteria: Invitae Variant Classification Sherloc (09022015). Collection method: clinical testing. Allele origin: germline.
Comment: This sequence change creates a premature translational stop signal (p.Met968Hisfs*3) in the DYSF gene. It is expected to result in an absent or disrupted protein product. Loss-of-function variants in DYSF are known to be pathogenic (PMID: 17698709, 20301480). This variant is not present in population databases (gnomAD no frequency). This premature translational stop signal has been observed in individual(s) with clinical features of limb-girdle muscular dystrophy (PMID: 31268554). ClinVar contains an entry for this variant (Variation ID: 1448346). For these reasons, this variant has been classified as Pathogenic.

Fulgent Genetics
Classification: Pathogenic for Autosomal recessive limb-girdle muscular dystrophy type 2B; Miyoshi muscular dystrophy 1; Distal myopathy with anterior tibial onset. Last evaluated: 2024-04-18. Review status: criteria provided, single submitter. Criteria: ACMG Guidelines, 2015. Collection method: clinical testing. Allele origin: germline.

Literature cited by the submitters: PubMed 31268554 (cited by Dasa and Labcorp Genetics (formerly Invitae), Labcorp); PubMed 17698709 (cited by Labcorp Genetics (formerly Invitae), Labcorp); PubMed 20301480 (cited by Labcorp Genetics (formerly Invitae), Labcorp).

NM_001130987.2(DYSF):c.2955dup (p.Met986fs)

Gene: DYSF (dysferlin; plus strand). Cytogenetic location: 2p13.2.
Variant type: Duplication.
Coding change: c.2955dup on transcript NM_001130987.2 (MANE Select); coding-DNA position 2955, one base duplicated (C; older notation c.2955dupC).
Protein change: p.Met986fs; shifts the reading frame from methionine 986.
Molecular consequence: frameshift variant.
Genome position (GRCh38, 1-based): chr2:71,569,910, C duplicated. VCF-style (leftmost placement, unchanged base first): chr2-71569909-A-AC. GRCh37 (hg19) VCF-style: chr2-71797039-A-AC.
Other names: c.2904dup, p.Met969fs (NM_001130455.2, NM_001130983.2); c.2859dup, p.Met954fs (NM_001130976.2, NM_001130977.2); c.2901dup, p.Met968fs (NM_001130978.2, NM_003494.4); c.2994dup, p.Met999fs (NM_001130979.2); c.2952dup, p.Met985fs (NM_001130980.2, NM_001130981.2); c.2997dup, p.Met1000fs (NM_001130982.2); c.2862dup, p.Met955fs (NM_001130984.2, NM_001130986.2); c.2955dup, p.Met986fs (NM_001130985.2); short protein forms M985fs, M999fs, M1000fs, M955fs, M968fs, M986fs, M954fs, M969fs.
Identifiers: ClinVar variation 1448346 (VCV001448346.10), dbSNP rs2152814060, ClinGen allele CA2573135713.
Genomic context (GRCh38, chr2:71,569,909, plus strand): 5'-TGAGCTTCGTGGAAGAGGTGTTTGAGAACCAGACCCGGCTTCCCGGAGGCCAGTGGATCT[A>AC]CATGAGTGACAACTACACCGATGTGGTAAAGCAGGCACTCAGGGGCAGGTGGGGTCTAGA-3'